The following is an entry in ClinVar:

NC_000019.10:g.39480747G>A

Gene: TIMM50 (translocase of inner mitochondrial membrane 50; plus strand). Cytogenetic location: 19q13.2.
Variant type: single nucleotide variant.
Genome position: GRCh38 VCF-style: chr19-39480747-G-A. GRCh37 (hg19) VCF-style: chr19-39971387-G-A.
Identifiers: ClinVar variation 2007307 (VCV002007307.4), dbSNP rs921097309, ClinGen allele CA308236832.
Genomic context (GRCh38, chr19:39,480,747, plus strand): 5'-GGAGACTAGTCAGAAGCAAACGCGCCTGCGGCAATCCGCCCGATGCCTTTGGTCTCTCTC[G>A]GGCTTCCGTCCACCCGCCCCTCCCCCGCGTTTCCATTGGCTGTAGCTCCGGCCCGGGGCG-3'

ClinVar aggregate classification (germline): Uncertain significance (1 of 4 stars; one submission).

Allele frequency attached by ClinVar (database versions not stated): TOPMed below 0.00001.

Submission:

Labcorp Genetics (formerly Invitae), Labcorp
Classification: Uncertain significance. Last evaluated: 2022-06-15. Review status: criteria provided, single submitter. Criteria: Invitae Variant Classification Sherloc (09022015). Collection method: clinical testing. Allele origin: germline.
Comment: This sequence change replaces arginine, which is basic and polar, with glutamine, which is neutral and polar, at codon 68 of the TIMM50 protein (p.Arg68Gln). This variant is not present in population databases (gnomAD no frequency). This variant has not been reported in the literature in individuals affected with TIMM50-related conditions. Algorithms developed to predict the effect of missense changes on protein structure and function output the following: SIFT: "Not Available"; PolyPhen-2: "Benign"; Align-GVGD: "Not Available". The glutamine amino acid residue is found in multiple mammalian species, which suggests that this missense change does not adversely affect protein function. In summary, the available evidence is currently insufficient to determine the role of this variant in disease. Therefore, it has been classified as a Variant of Uncertain Significance.